The following is an entry in ClinVar:

ClinVar aggregate classification (germline): Uncertain significance (1 of 4 stars; one submission).

Allele frequency attached by ClinVar (database versions not stated): gnomAD 0.00001.
gnomAD v4.1: 2 of 1,582,830 alleles (0.00013%); highest among the groups gnomAD compares: Non-Finnish European, 0.00017%; no homozygotes.

Submission:

Labcorp Genetics (formerly Invitae), Labcorp
Classification: Uncertain significance. Last evaluated: 2024-02-19. Review status: criteria provided, single submitter. Criteria: Invitae Variant Classification Sherloc (09022015). Collection method: clinical testing. Allele origin: germline.
Comment: This sequence change replaces isoleucine, which is neutral and non-polar, with methionine, which is neutral and non-polar, at codon 806 of the LARS protein (p.Ile806Met). This variant is present in population databases (no rsID available, gnomAD 0.02%). This variant has not been reported in the literature in individuals affected with LARS-related conditions. ClinVar contains an entry for this variant (Variation ID: 2085932). Advanced modeling of protein sequence and biophysical properties (such as structural, functional, and spatial information, amino acid conservation, physicochemical variation, residue mobility, and thermodynamic stability) performed at Invitae indicates that this missense variant is not expected to disrupt LARS protein function with a negative predictive value of 80%. In summary, the available evidence is currently insufficient to determine the role of this variant in disease. Therefore, it has been classified as a Variant of Uncertain Significance.

NM_020117.11(LARS1):c.2418A>G (p.Ile806Met)

Gene: LARS1 (leucyl-tRNA synthetase 1; minus strand). Cytogenetic location: 5q32.
Variant type: single nucleotide variant.
Coding change: c.2418A>G on transcript NM_020117.11 (MANE Select); coding-DNA position 2418, A replaced by G.
Protein change: p.Ile806Met; replaces isoleucine 806 with methionine.
Molecular consequence: missense variant.
Genome position (GRCh38, 1-based): chr5:146,131,088, T>C on the plus strand (A>G on the coding strand, the complement: LARS1 is on the minus strand). VCF-style: chr5-146131088-T-C. GRCh37 (hg19) VCF-style: chr5-145510651-T-C.
Other names: c.2280A>G, p.Ile760Met (NM_001317964.2); c.2256A>G, p.Ile752Met (NM_001317965.2); c.2337A>G, p.Ile779Met (NM_016460.4); short protein forms I752M, I806M, I760M, I779M.
Identifiers: ClinVar variation 2085932 (VCV002085932.4), dbSNP rs1327015370, ClinGen allele CA361604104.